The following is an entry in ClinVar:

NM_006231.4(POLE):c.5420C>G (p.Thr1807Ser)

Gene: POLE (DNA polymerase epsilon, catalytic subunit; minus strand). Cytogenetic location: 12q24.33.
Variant type: single nucleotide variant.
Coding change: c.5420C>G on transcript NM_006231.4 (MANE Select); coding-DNA position 5420, C replaced by G.
Protein change: p.Thr1807Ser; replaces threonine 1807 with serine.
Molecular consequence: missense variant.
Genome position (GRCh38, 1-based): chr12:132,639,257, G>C on the plus strand (C>G on the coding strand, the complement: POLE is on the minus strand). VCF-style: chr12-132639257-G-C. GRCh37 (hg19) VCF-style: chr12-133215843-G-C.
Other names: c.5420C>G (NM_006231.2); short protein forms T1807S.
Identifiers: ClinVar variation 569123 (VCV000569123.10), dbSNP rs1565933242, ClinGen allele CA387374949.

ClinVar aggregate classification (germline): Uncertain significance. Review status: criteria provided, multiple submitters, no conflicts (2 of 4 stars). 2 submissions from 2 submitters: Uncertain significance (2). Last evaluated 2026-03-12.

Conditions:
Hereditary cancer-predisposing syndrome. Also called: Neoplastic Syndromes, Hereditary; Hereditary neoplastic syndrome; Tumor predisposition; Hereditary Cancer Syndrome. Identifiers: Orphanet 140162, MedGen C0027672, MeSH D009386, MONDO:0015356.

Submissions (2):

Ambry Genetics
Classification: Uncertain significance for Hereditary cancer-predisposing syndrome. Last evaluated: 2026-03-12. Review status: criteria provided, single submitter. Criteria: Ambry Variant Classification Scheme 2023. Collection method: clinical testing. Allele origin: germline.
Comment: The p.T1807S variant (also known as c.5420C>G), located in coding exon 40 of the POLE gene, results from a C to G substitution at nucleotide position 5420. The threonine at codon 1807 is replaced by serine, an amino acid with similar properties. This amino acid position is conserved. In addition, this alteration is predicted to be tolerated by in silico analysis. Based on the available evidence, the clinical significance of this variant remains unclear.

Labcorp Genetics (formerly Invitae), Labcorp
Classification: Uncertain significance. Last evaluated: 2018-12-20. Review status: criteria provided, single submitter. Criteria: Invitae Variant Classification Sherloc (09022015). Collection method: clinical testing. Allele origin: germline.
Comment: In summary, the available evidence is currently insufficient to determine the role of this variant in disease. Therefore, it has been classified as a Variant of Uncertain Significance. Algorithms developed to predict the effect of missense changes on protein structure and function (SIFT, PolyPhen-2, Align-GVGD) all suggest that this variant is likely to be tolerated, but these predictions have not been confirmed by published functional studies and their clinical significance is uncertain. This variant has not been reported in the literature in individuals with POLE-related disease. This variant is not present in population databases (ExAC no frequency). This sequence change replaces threonine with serine at codon 1807 of the POLE protein (p.Thr1807Ser). The threonine residue is moderately conserved and there is a small physicochemical difference between threonine and serine.